The following is an entry in ClinVar:

NM_174936.4(PCSK9):c.85C>T (p.Arg29Cys)

Gene: PCSK9 (proprotein convertase subtilisin/kexin type 9; plus strand). Cytogenetic location: 1p32.3.
Variant type: single nucleotide variant.
Coding change: c.85C>T on transcript NM_174936.4 (MANE Select); coding-DNA position 85, C replaced by T.
Protein change: p.Arg29Cys; replaces arginine 29 with cysteine.
Molecular consequence: missense variant.
Genome position (GRCh38, 1-based): chr1:55,039,922, C>T. VCF-style: chr1-55039922-C-T. GRCh37 (hg19) VCF-style: chr1-55505595-C-T.
Other names: short protein forms R29C.
Identifiers: ClinVar variation 920809 (VCV000920809.5), dbSNP rs866597555, ClinGen allele CA340482740.

ClinVar aggregate classification (germline): Uncertain significance (1 of 4 stars; one submission).

Conditions:
Familial hypercholesterolemia. Also called: Familial hypercholesterolaemia. Identifiers: MedGen C0020445, MONDO:0005439.

Submission:

Color Diagnostics, LLC DBA Color Health
Classification: Uncertain significance for Familial hypercholesterolemia. Last evaluated: 2023-12-05. Review status: criteria provided, single submitter. Criteria: ACMG Guidelines, 2015. Collection method: clinical testing. Allele origin: germline.
Comment: Variant of Uncertain Significance due to insufficient evidence: This missense variant replaces arginine with cysteine at codon 29 of the PCSK9 protein. Computational prediction tools and conservation analyses suggest that this variant may not impact the protein function. Computational splicing tools suggest that this variant may not impact RNA splicing. To our knowledge, functional assays have not been performed for this variant nor has this variant been reported in individuals affected with familial hypercholesterolemia in the literature. This variant is rare in the general population and has been identified in 0/277264 chromosomes by the Genome Aggregation Database (gnomAD). Available evidence is insufficient to determine the role of this variant in disease conclusively.